The following is an entry in ClinVar:

ClinVar aggregate classification (germline): Uncertain significance (1 of 4 stars; one submission).

Conditions:
Fanconi anemia complementation group E (FANCE). Also called: FANCE-Related Fanconi Anemia. Identifiers: Orphanet 84, MedGen C3160739, MONDO:0010953, OMIM 600901.

gnomAD v4.1: 3 of 1,613,832 alleles (0.00019%); highest among the groups gnomAD compares: Non-Finnish European, 0.00025%; no homozygotes.

Submission:

Labcorp Genetics (formerly Invitae), Labcorp
Classification: Uncertain significance for Fanconi anemia complementation group E. Last evaluated: 2022-05-05. Review status: criteria provided, single submitter. Criteria: Invitae Variant Classification Sherloc (09022015). Collection method: clinical testing. Allele origin: germline.
Comment: This sequence change replaces proline, which is neutral and non-polar, with serine, which is neutral and polar, at codon 155 of the FANCE protein (p.Pro155Ser). This variant is not present in population databases (gnomAD no frequency). This variant has not been reported in the literature in individuals affected with FANCE-related conditions. Algorithms developed to predict the effect of missense changes on protein structure and function (SIFT, PolyPhen-2, Align-GVGD) all suggest that this variant is likely to be tolerated. In summary, the available evidence is currently insufficient to determine the role of this variant in disease. Therefore, it has been classified as a Variant of Uncertain Significance.

NM_021922.3(FANCE):c.463C>T (p.Pro155Ser)

Gene: FANCE (FA complementation group E; plus strand). Cytogenetic location: 6p21.31.
Variant type: single nucleotide variant.
Coding change: c.463C>T on transcript NM_021922.3 (MANE Select); coding-DNA position 463, C replaced by T.
Protein change: p.Pro155Ser; replaces proline 155 with serine.
Molecular consequence: missense variant.
Genome position (GRCh38, 1-based): chr6:35,455,961, C>T. VCF-style: chr6-35455961-C-T. GRCh37 (hg19) VCF-style: chr6-35423738-C-T.
Other names: short protein forms P155S.
Identifiers: ClinVar variation 1429921 (VCV001429921.6), dbSNP rs2150890589, ClinGen allele CA363772959.
Genomic context (GRCh38, chr6:35,455,961, plus strand): 5'-GCCCTGGGGGAATTGCTGCGAAGGGATTTGGGGGTGGGGACCTCCATGGAGGGAGCTTCT[C>T]CACTGTCTGAAAGATGCCAGAGACAGCTCCAAAGTCTATGTAGGGGGCTGGGCCTGGGGG-3'
Protein context (NP_068741.1, residues 145-165): GVGTSMEGAS[Pro155Ser]LSERCQRQLQ